The following is an entry in ClinVar:

ClinVar aggregate classification (germline): Pathogenic/Likely pathogenic. Review status: criteria provided, multiple submitters, no conflicts (2 of 4 stars). 6 submissions from 6 submitters: Pathogenic (4); Likely pathogenic (2). Last evaluated 2025-03-05.

Conditions:
Pontocerebellar hypoplasia type 6 (PCH6). Identifiers: Orphanet 166073, MedGen C1969084, MONDO:0012683, OMIM 611523.
Pontoneocerebellar hypoplasia. Also called: Pontocerebellar hypoplasia; Non-syndromic pontocerebellar hypoplasia. Identifiers: Orphanet 98523, MedGen C1261175, MONDO:0020135.

Submissions (6):

Labcorp Genetics (formerly Invitae), Labcorp
Classification: Pathogenic. Last evaluated: 2025-03-05. Review status: criteria provided, single submitter. Criteria: Invitae Variant Classification Sherloc (09022015). Collection method: clinical testing. Allele origin: germline.
Comment: This sequence change affects the initiator methionine of the RARS2 mRNA. The next in-frame methionine is located at codon 176. This variant is present in population databases (no rsID available, gnomAD 0.0009%). Disruption of the initiator codon has been observed in individual(s) with pontocerebellar hypoplasia (PMID: 26083569, 32860008). In at least one individual the data is consistent with being in trans (on the opposite chromosome) from a pathogenic variant. It has also been observed to segregate with disease in related individuals. ClinVar contains an entry for this variant (Variation ID: 872611). This variant disrupts a region of the RARS2 protein in which other variant(s) (p.Ile9Val) have been observed in individuals with RARS2-related conditions (PMID: 22569581). This suggests that this is a clinically significant region of the protein, and that variants that disrupt it are likely to be disease-causing. For these reasons, this variant has been classified as Pathogenic.

Natera, Inc.
Classification: Likely pathogenic for Pontocerebellar hypoplasia, type 6. Last evaluated: 2024-07-29. Review status: criteria provided, single submitter. Criteria: Natera Variant Classification Schema (03/2026). Collection method: clinical testing. Allele origin: germline.
Comment: The c.2T>G variant in RARS2 is predicted to result in start loss due to disruption of the initiator methionine. This variant is expected to result in nonsense mediated decay, truncation, or a dysfunctional protein product. This variant is rare in the general population with a frequency below the threshold expected for the associated phenotype(s). Given the available evidence, this variant is classified as Likely Pathogenic.

Fulgent Genetics
Classification: Pathogenic for Pontocerebellar hypoplasia type 6. Last evaluated: 2024-06-13. Review status: criteria provided, single submitter. Criteria: ACMG Guidelines, 2015. Collection method: clinical testing. Allele origin: germline.

3billion
Classification: Pathogenic for Pontocerebellar hypoplasia type 6. Last evaluated: 2024-06-05. Review status: criteria provided, single submitter. Criteria: ACMG Guidelines, 2015. Collection method: clinical testing. Allele origin: germline. Affected: yes.
Comment: The variant is observed at an extremely low frequency in the gnomAD v4.0.0 dataset (total allele frequency: <0.001%). Predicted Consequence/Location: Start-lost: reinitiation of translation may occur at a downstream alternate start codon but still result in a loss or disruption of normal protein function as there have been pathogenic variants reported upstream of the alternate start codon. The variant has been reported to be in trans with a pathogenic variant as either compound heterozygous or homozygous in at least 2 similarly affected unrelated individuals (PMID: 26083569, 32860008). The variant has been reported to co-segregate with the disease in at least one similarly affected relative/individual in the same family or similarly affected unrelated family (PMID: 26083569). The variant has been reported at least twice as pathogenic with clinical assertions and evidence for the classification (ClinVar ID: VCV000872611). Therefore, this variant is classified as Pathogenic according to the recommendation of ACMG/AMP guideline.

Women's Health and Genetics/Laboratory Corporation of America, LabCorp
Classification: Likely pathogenic for Pontoneocerebellar hypoplasia. Last evaluated: 2021-12-06. Review status: criteria provided, single submitter. Criteria: LabCorp Variant Classification Summary - May 2015. Collection method: clinical testing. Allele origin: germline.
Comment: Variant summary: RARS2 c.2T>G (p.Met1?) alters the initiation codon and is predicted to result either in absence of the protein or truncation of the encoded protein due to translation initiation at a downstream codon. This variant is predicted to disrupt the Kozak sequence and no alternate start codon downstream of this is located in vicinity of this position. Four of four in-silico tools predict a damaging effect of the variant on protein function. The variant allele was found at a frequency of 4e-06 in 250948 control chromosomes. The available data on variant occurrences in the general population are insufficient to allow any conclusion about variant significance. To our knowledge, no occurrence of c.2T>G in individuals affected with Pontocerebellar Hypoplasia, Type 6 and no experimental evidence demonstrating its impact on protein function have been reported. At-least two other start loss variants, namely c.1A>T (p.Met1?) and c.1A>G (p.Met1?) have been reported in individuals with Pontocerebellar Hypoplasia in the HGMD database. One clinical diagnostic laboratory has submitted clinical-significance assessments for this variant to ClinVar after 2014 without evidence for independent evaluation and classified the variant as pathogenic. Based on the evidence outlined above, the variant was classified as likely pathogenic.

CeGaT Center for Human Genetics Tuebingen
Classification: Pathogenic. Last evaluated: 2019-06-01. Review status: criteria provided, single submitter. Criteria: CeGaT Center For Human Genetics Tuebingen Variant Classification Criteria Version 2. Collection method: clinical testing. Allele origin: germline. Affected: yes. Observed: 1 variant allele.

Literature cited by the submitters: PubMed 26083569 (cited by Labcorp Genetics (formerly Invitae), Labcorp and 3billion); PubMed 32860008 (cited by Labcorp Genetics (formerly Invitae), Labcorp and 3billion); PubMed 22569581 (cited by Labcorp Genetics (formerly Invitae), Labcorp).

NM_020320.5(RARS2):c.2T>G (p.Met1Arg)

Gene: RARS2 (arginyl-tRNA synthetase 2, mitochondrial; minus strand). Cytogenetic location: 6q15.
Variant type: single nucleotide variant.
Coding change: c.2T>G on transcript NM_020320.5 (MANE Select); coding-DNA position 2, T replaced by G.
Protein change: p.Met1Arg; changes the start codon (methionine 1).
Molecular consequence: missense variant, initiator codon variant. On other transcripts: 5 prime UTR variant (7), non-coding transcript variant (23).
Genome position (GRCh38, 1-based): chr6:87,589,956, A>C on the plus strand (T>G on the coding strand, the complement: RARS2 is on the minus strand). VCF-style: chr6-87589956-A-C. GRCh37 (hg19) VCF-style: chr6-88299674-A-C.
Other names: c.-689T>G (NM_001318785.2); c.2T>G, p.Met1Arg (NM_001350505.2); c.-745T>G (NM_001350506.2, NM_001350510.2); c.-868T>G (NM_001350507.2); c.-907T>G (NM_001350508.2); c.-615T>G (NM_001350509.2); c.-864T>G (NM_001350511.2); short protein forms M1R.
Identifiers: ClinVar variation 872611 (VCV000872611.51), dbSNP rs199862050, ClinGen allele CA364919930.
Genomic context (GRCh38, chr6:87,589,956, plus strand): 5'-TCCTCTGCGCGCTCCGGGATCCATACCTGGCAAGCAATAGCGCGGCGAAAGCCGCACGCC[A>C]TGTCCACCTCTACGGAAGTGCGCCGCAGTCCGCCAGTTCCGGCCTCGCCCCACCTCCTTA-3'
Protein context (NP_064716.2, residues 1-11): [Met1Arg]ACGFRRAIAC